The following is an entry in ClinVar:

ClinVar aggregate classification (germline): Likely benign (1 of 4 stars; one submission).

Submission:

GeneDx
Classification: Likely benign. Last evaluated: 2016-03-03. Review status: criteria provided, single submitter. Criteria: GeneDx Variant Classification (06012015). Collection method: clinical testing. Allele origin: germline. Affected: yes.
Comment: This variant is considered likely benign or benign based on one or more of the following criteria: it is a conservative change, it occurs at a poorly conserved position in the protein, it is predicted to be benign by multiple in silico algorithms, and/or has population frequency not consistent with disease.

NM_002435.3(MPI):c.555T>C (p.His185=)

Gene: MPI (mannose phosphate isomerase; plus strand). Cytogenetic location: 15q24.1.
Variant type: single nucleotide variant.
Coding change: c.555T>C on transcript NM_002435.3 (MANE Select); coding-DNA position 555, T replaced by C.
Protein change: p.His185=; no amino-acid change (histidine 185 retained).
Molecular consequence: synonymous variant. On other transcripts: intron variant (1).
Genome position (GRCh38, 1-based): chr15:74,893,205, T>C. VCF-style: chr15-74893205-T-C. GRCh37 (hg19) VCF-style: chr15-75185546-T-C.
Other names: c.555T>C, p.His185= (NM_001289155.2); c.405T>C, p.His135= (NM_001289156.2); c.495T>C, p.His165= (NM_001330372.2); c.487+403T>C (NM_001289157.2).
Identifiers: ClinVar variation 383517 (VCV000383517.1), dbSNP rs1057521650, ClinGen allele CA16607142.